The following is an entry in ClinVar:

ClinVar aggregate classification (germline): Pathogenic (1 of 4 stars; one submission).

Conditions:
Mitochondrial neurogastrointestinal encephalomyopathy. Also called: Mitochondrial neurogastrointestinal encephalopathy syndrome; MNGIE syndrome; Thymidine phosphorylase deficiency. Identifiers: Orphanet 298, MedGen C0872218, MONDO:0017575.

Submission:

Natera, Inc.
Classification: Pathogenic for Mitochondrial neurogastrointestinal encephalomyopathy. Last evaluated: 2024-06-17. Review status: criteria provided, single submitter. Criteria: Natera Variant Classification Schema (03/2026). Collection method: clinical testing. Allele origin: germline.
Comment: The c.215-1G>A variant in TYMP is a canonical splice acceptor site variant predicted to affect pre-mRNA splicing, which may result in an abnormal transcript and altered protein product. This variant is expected to result in nonsense mediated decay, truncation, or a dysfunctional protein product. This variant is rare in the general population with a frequency below the threshold expected for the associated phenotype(s). This variant has been observed in one or more individuals affected with the associated recessive disease, as either homozygous or compound heterozygous with a second variant (PMID: 29348134). Another variant at this same site results in an alteration predicted to cause a similar molecular effect has been observed in individual(s) with the associated phenotype. Given the available evidence, this variant is classified as Pathogenic.

Literature cited by the submitters: PubMed 29348134.

NM_001953.5(TYMP):c.215-1G>A

Genes: TYMP (thymidine phosphorylase; minus strand), LOC130067864 (ATAC-STARR-seq lymphoblastoid active region 19325; plus strand). Cytogenetic location: 22q13.33.
Variant type: single nucleotide variant.
Coding change: c.215-1G>A on transcript NM_001953.5 (MANE Select); the canonical splice acceptor site of the intron before coding-DNA position 215, G replaced by A.
Molecular consequence: splice acceptor variant.
Genome position (GRCh38, 1-based): chr22:50,529,339, C>T on the plus strand (G>A on the coding strand, the complement: TYMP is on the minus strand). VCF-style: chr22-50529339-C-T. GRCh37 (hg19) VCF-style: chr22-50967768-C-T.
Other names: c.215-1G>A (NM_001257989.1, NM_001257988.1, NM_001113755.3 and 1 more transcripts).
Identifiers: ClinVar variation 4814987 (VCV004814987.1).
Genomic context (GRCh38, chr22:50,529,339, plus strand): 5'-TCAGCACCGAGGTCTCCTCCAGATCCATGCCCCGAAGTCGGATGGCCATCAGCATGGCCC[C>T]TGGTATGTGGGGGTACGCGTGAGGGTGGCAGCCCACAGCGGTGGGGCACCCTGGGGCCGG-3'